The following is an entry in ClinVar:

ClinVar aggregate classification (germline): Uncertain significance. Review status: criteria provided, multiple submitters, no conflicts (2 of 4 stars). 2 submissions from 2 submitters: Uncertain significance (2). Last evaluated 2026-05-27.

Conditions:
Cardiovascular phenotype. Identifiers: MedGen CN230736.

Allele frequency attached by ClinVar (database versions not stated): TOPMed below 0.00001; gnomAD 0.00001; gnomAD exomes 0.00001.
gnomAD v4.1: 10 of 1,503,358 alleles (0.00067%); highest among the groups gnomAD compares: African/African-American, 0.0014%; no homozygotes.

Submissions (2):

Women's Health and Genetics/Laboratory Corporation of America, LabCorp
Classification: Uncertain significance. Last evaluated: 2026-05-27. Review status: criteria provided, single submitter. Criteria: LabCorp Variant Classification Summary - May 2015. Collection method: clinical testing. Allele origin: germline.
Comment: Variant summary: ZNF469 c.9421C>T (p.Pro3141Ser) results in a non-conservative amino acid change in the encoded protein sequence. Algorithms developed to predict the effect of missense changes on protein structure and function are either unavailable or do not agree on the potential impact of this missense change. The variant was absent in 108138 control chromosomes. The available data on variant occurrences in the general population are insufficient to allow any conclusion about variant significance. To our knowledge, no occurrence of c.9421C>T in individuals affected with ZNF469-related conditions and no experimental evidence demonstrating its impact on protein function have been reported. ClinVar contains an entry for this variant (Variation ID: 3196004). Based on the evidence outlined above, the variant was classified as uncertain significance.

Ambry Genetics
Classification: Uncertain significance for Cardiovascular phenotype. Last evaluated: 2024-01-30. Review status: criteria provided, single submitter. Criteria: Ambry Variant Classification Scheme 2023. Collection method: clinical testing. Allele origin: germline.

NM_001367624.2(ZNF469):c.9421C>T (p.Pro3141Ser)

Gene: ZNF469 (zinc finger protein 469; plus strand). Cytogenetic location: 16q24.2.
Variant type: single nucleotide variant.
Coding change: c.9421C>T on transcript NM_001367624.2 (MANE Select); coding-DNA position 9421, C replaced by T.
Protein change: p.Pro3141Ser; replaces proline 3141 with serine.
Molecular consequence: missense variant.
Genome position (GRCh38, 1-based): chr16:88,436,891, C>T. VCF-style: chr16-88436891-C-T. GRCh37 (hg19) VCF-style: chr16-88503299-C-T.
Other names: NM_001127464.1:c.9337C>T; short protein forms P3141S.
Identifiers: ClinVar variation 3196004 (VCV003196004.2), dbSNP rs1239885035, ClinGen allele CA397122223.